The following is an entry in ClinVar:

ClinVar aggregate classification (germline): Uncertain significance (1 of 4 stars; one submission).

Conditions:
Hypertrophic cardiomyopathy 25 (CMH25). Also called: CARDIOMYOPATHY, FAMILIAL HYPERTROPHIC, 25. Identifiers: MedGen C4225408, MONDO:0011843, OMIM 607487.
Primary familial hypertrophic cardiomyopathy (HCM). Identifiers: Orphanet 99739, MedGen C0949658, MeSH D024741, MONDO:0024573. Inheritance: Various modes of inheritance.

Submission:

Labcorp Genetics (formerly Invitae), Labcorp
Classification: Uncertain significance for Hypertrophic cardiomyopathy 25; Primary familial hypertrophic cardiomyopathy. Last evaluated: 2025-02-12. Review status: criteria provided, single submitter. Criteria: Invitae Variant Classification Sherloc (09022015). Collection method: clinical testing. Allele origin: germline.
Comment: This sequence change replaces cysteine, which is neutral and slightly polar, with serine, which is neutral and polar, at codon 15 of the TCAP protein (p.Cys15Ser). This variant is not present in population databases (gnomAD no frequency). This variant has not been reported in the literature in individuals affected with TCAP-related conditions. An algorithm developed to predict the effect of missense changes on protein structure and function outputs the following: PolyPhen-2: "Benign". The serine amino acid residue is found in multiple mammalian species, which suggests that this missense change does not adversely affect protein function. In summary, the available evidence is currently insufficient to determine the role of this variant in disease. Therefore, it has been classified as a Variant of Uncertain Significance.

NM_003673.4(TCAP):c.44G>C (p.Cys15Ser)

Gene: TCAP (titin-cap; plus strand). Cytogenetic location: 17q12.
Variant type: single nucleotide variant.
Coding change: c.44G>C on transcript NM_003673.4 (MANE Select); coding-DNA position 44, G replaced by C.
Protein change: p.Cys15Ser; replaces cysteine 15 with serine.
Molecular consequence: missense variant.
Genome position (GRCh38, 1-based): chr17:39,665,403, G>C. VCF-style: chr17-39665403-G-C. GRCh37 (hg19) VCF-style: chr17-37821656-G-C.
Other names: short protein forms C15S.
Identifiers: ClinVar variation 4787819 (VCV004787819.1).